The following is an entry in ClinVar:

ClinVar aggregate classification (germline): Uncertain significance. Review status: criteria provided, multiple submitters, no conflicts (2 of 4 stars). 2 submissions from 2 submitters: Uncertain significance (2). Last evaluated 2025-12-22.

Conditions:
Early-infantile DEE. Also called: Early infantile epileptic encephalopathy; Ohtahara syndrome; Early infantile epileptic encephalopathy with suppression bursts. Identifiers: Orphanet 1934, MedGen C0393706, MONDO:0800491.
Inborn genetic diseases. Identifiers: MedGen C0950123, MeSH D030342.

gnomAD v4.1: 3 of 1,471,274 alleles (0.0002%); highest among the groups gnomAD compares: Non-Finnish European, 0.000094%; no homozygotes.

Submissions (2):

Ambry Genetics
Classification: Uncertain significance for Inborn genetic diseases. Last evaluated: 2025-12-22. Review status: criteria provided, single submitter. Criteria: Ambry Variant Classification Scheme 2023. Collection method: clinical testing. Allele origin: germline.

Labcorp Genetics (formerly Invitae), Labcorp
Classification: Uncertain significance for Early-infantile DEE. Last evaluated: 2024-04-15. Review status: criteria provided, single submitter. Criteria: Invitae Variant Classification Sherloc (09022015). Collection method: clinical testing. Allele origin: germline.
Comment: This sequence change replaces glutamic acid, which is acidic and polar, with lysine, which is basic and polar, at codon 729 of the SCN1A protein (p.Glu729Lys). This variant is not present in population databases (gnomAD no frequency). This variant has not been reported in the literature in individuals affected with SCN1A-related conditions. Advanced modeling of protein sequence and biophysical properties (such as structural, functional, and spatial information, amino acid conservation, physicochemical variation, residue mobility, and thermodynamic stability) performed at Invitae indicates that this missense variant is expected to disrupt SCN1A protein function with a positive predictive value of 95%. In summary, the available evidence is currently insufficient to determine the role of this variant in disease. Therefore, it has been classified as a Variant of Uncertain Significance.

NM_001165963.4(SCN1A):c.2185G>A (p.Glu729Lys)

Gene: SCN1A (sodium voltage-gated channel alpha subunit 1; minus strand). Cytogenetic location: 2q24.3.
Variant type: single nucleotide variant.
Coding change: c.2185G>A on transcript NM_001165963.4 (MANE Select); coding-DNA position 2185, G replaced by A.
Protein change: p.Glu729Lys; replaces glutamic acid 729 with lysine.
Molecular consequence: missense variant. On other transcripts: 5 prime UTR variant (1), non-coding transcript variant (1).
Genome position (GRCh38, 1-based): chr2:166,041,461, C>T on the plus strand (G>A on the coding strand, the complement: SCN1A is on the minus strand). VCF-style: chr2-166041461-C-T. GRCh37 (hg19) VCF-style: chr2-166897971-C-T.
Other names: c.2185G>A (NM_001165963.1); c.2101G>A, p.Glu701Lys (NM_001165964.3, NM_001353957.2, NM_001353958.2); c.2185G>A, p.Glu729Lys (NM_001202435.3, NM_001353948.2); c.2152G>A, p.Glu718Lys (NM_001353949.2, NM_001353950.2, NM_001353951.2 and 2 more transcripts); c.2149G>A, p.Glu717Lys (NM_001353954.2, NM_001353955.2); c.2098G>A, p.Glu700Lys (NM_001353960.2); c.-274G>A (NM_001353961.2); short protein forms E700K, E718K, E717K, E701K, E729K.
Identifiers: ClinVar variation 3634050 (VCV003634050.3).
Genomic context (GRCh38, chr2:166,041,461, plus strand): 5'-CCCAGATTAAGAATATGTTGGAAAATTTATACCAACAGGGTGGGCATTTCTGCCTGGATT[C>T]TTCAAGTTCTAGATTAAGAAAAAAAAAAAAAAGAACCACCAAAAGGTATACTTTATACAC-3'
Protein context (NP_001159435.1, residues 719-739): ILTNTVEELE[Glu729Lys]SRQKCPPCWY